The following is an entry in ClinVar:

ClinVar aggregate classification (germline): Uncertain significance (1 of 4 stars; one submission).

Conditions:
ADCY3-related disorder. Also called: ADCY3-related condition.

gnomAD v4.1: 2 of 1,613,542 alleles (0.00012%); highest among the groups gnomAD compares: Non-Finnish European, 0.00017%; no homozygotes.

Submission:

PreventionGenetics, part of Exact Sciences
Classification: Uncertain significance for ADCY3-related condition. Last evaluated: 2026-09-25. Review status: criteria provided, single submitter. Criteria: ACMG Guidelines, 2015. Collection method: clinical testing. Allele origin: germline.
Comment: The ADCY3 c.1234C>G variant is predicted to result in the amino acid substitution p.Arg412Gly. To our knowledge, this variant has not been reported in the literature. This variant is reported in 0.00089% of alleles in individuals of European (Non-Finnish) descent in gnomAD. At this time, the clinical significance of this variant is uncertain due to the absence of conclusive functional and genetic evidence.

NM_004036.5(ADCY3):c.1234C>G (p.Arg412Gly)

Gene: ADCY3 (adenylate cyclase 3; minus strand). Cytogenetic location: 2p23.3.
Variant type: single nucleotide variant.
Coding change: c.1234C>G on transcript NM_004036.5 (MANE Select); coding-DNA position 1234, C replaced by G.
Protein change: p.Arg412Gly; replaces arginine 412 with glycine.
Molecular consequence: missense variant.
Genome position (GRCh38, 1-based): chr2:24,839,994, G>C on the plus strand (C>G on the coding strand, the complement: ADCY3 is on the minus strand). VCF-style: chr2-24839994-G-C. GRCh37 (hg19) VCF-style: chr2-25062863-G-C.
Other names: c.1234C>G, p.Arg412Gly (NM_001320613.2, NM_001377128.1, NM_001377129.1 and 2 more transcripts); c.511C>G, p.Arg171Gly (NM_001377131.1); short protein forms R171G, R412G.
Identifiers: ClinVar variation 4984062 (VCV004984062.1).
Genomic context (GRCh38, chr2:24,839,994, plus strand): 5'-ACTGCCAGCGCTTCTGGCCCAGGACGCCCCCCAGCACGGTGCCCGTGTGCACCCCCACAC[G>C]CATGTCCACCCCAGTCTTGGTCTTCTCCCGCACATACCTGCCAGGTACACACAGAAAGGA-3'
Protein context (NP_004027.2, residues 402-422): REKTKTGVDM[Arg412Gly]VGVHTGTVLG